The following is an entry in ClinVar:

NM_001164508.2(NEB):c.23648C>T (p.Ser7883Leu)

Genes: NEB (nebulin; minus strand), RIF1 (replication timing regulatory factor 1; plus strand). Cytogenetic location: 2q23.3.
Variant type: single nucleotide variant.
Coding change: c.23648C>T on transcript NM_001164508.2 (MANE Select); coding-DNA position 23648, C replaced by T.
Protein change: p.Ser7883Leu; replaces serine 7883 with leucine.
Molecular consequence: missense variant.
Genome position (GRCh38, 1-based): chr2:151,506,167, G>A on the plus strand (C>T on the coding strand, the complement: NEB is on the minus strand). VCF-style: chr2-151506167-G-A. GRCh37 (hg19) VCF-style: chr2-152362681-G-A.
Other names: c.23648C>T, p.Ser7883Leu (NM_001164507.2); c.23753C>T, p.Ser7918Leu (NM_001271208.2); c.18545C>T, p.Ser6182Leu (NM_004543.5); short protein forms S6182L, S7918L, S7883L.
Identifiers: ClinVar variation 95119 (VCV000095119.20), dbSNP rs202191938, ClinGen allele CA222744.

ClinVar aggregate classification (germline): Conflicting classifications of pathogenicity. Review status: criteria provided, conflicting classifications (1 of 4 stars). 7 submissions from 7 submitters: Uncertain significance (4); Benign (1). 2 of the submissions do not count toward it. Last evaluated 2026-01-24.

Conditions:
Inborn genetic diseases. Identifiers: MedGen C0950123, MeSH D030342.
NEB-related disorder. Also called: NEB-Related Disorders; NEB-related condition.
Nemaline myopathy 2 (NEM2). Also called: Nemaline myopathy 2, autosomal recessive. Identifiers: MedGen C1850569, MONDO:0009725, OMIM 256030.

Allele frequency attached by ClinVar (database versions not stated): gnomAD exomes 0.00018 and 0.00008; TOPMed 0.00018; gnomAD 0.00024 and 0.00023; 1000 Genomes Project 0.00060; 1000 Genomes Project 30x 0.00047; ExAC 0.00014.
gnomAD v4.1: 152 of 1,607,412 alleles (0.0095%); highest among the groups gnomAD compares: Admixed American, 0.13%; no homozygotes.

Submissions (7):

Labcorp Genetics (formerly Invitae), Labcorp
Classification: Benign for Nemaline myopathy 2. Last evaluated: 2026-01-24. Review status: criteria provided, single submitter. Criteria: Invitae Variant Classification Sherloc (09022015). Collection method: clinical testing. Allele origin: germline.

Ambry Genetics
Classification: Uncertain significance for Inborn genetic diseases. Last evaluated: 2025-06-18. Review status: criteria provided, single submitter. Criteria: Ambry Variant Classification Scheme 2023. Collection method: clinical testing. Allele origin: germline.

GeneDx
Classification: Uncertain significance. Last evaluated: 2025-05-14. Review status: criteria provided, single submitter. Criteria: GeneDx Variant Classification Process June 2021. Collection method: clinical testing. Allele origin: germline. Affected: yes.
Comment: In silico analysis supports that this missense variant has a deleterious effect on protein structure/function; This variant is associated with the following publications: (PMID: Olimpia_2023)

Revvity Omics, Revvity
Classification: Uncertain significance. Last evaluated: 2025-01-23. Review status: criteria provided, single submitter. Criteria: ACMG Guidelines, 2015. Collection method: clinical testing. Allele origin: germline.

Eurofins Ntd Llc (ga)
Classification: Uncertain significance. Last evaluated: 2016-05-20. Review status: criteria provided, single submitter. Criteria: EGL Classification Definitions 2015. Collection method: clinical testing. Allele origin: germline. Observed: 2 variant alleles, 2 heterozygotes.

PreventionGenetics, part of Exact Sciences
Classification: Uncertain significance for NEB-related condition. Last evaluated: 2023-11-10. Review status: no assertion criteria provided. Collection method: clinical testing. Allele origin: germline. Not counted in ClinVar's aggregate classification.
Comment: The NEB c.23753C>T variant is predicted to result in the amino acid substitution p.Ser7918Leu. This variant has been reported with uncertain significance in the heterozygous state, along with variants in other genes, in an individual with myofibrillar myopathy (Case 1, Carbunar O, M Saporta, and S Gultekin. 2023. doi:10.17161/rrnmf.v4i2.18512). This variant is reported in 0.088% of alleles in individuals of Latino descent in gnomAD. At this time, the clinical significance of this variant is uncertain due to the absence of conclusive functional and genetic evidence.

Natera, Inc.
Classification: Uncertain significance for Nemaline myopathy type 2. Last evaluated: 2020-01-24. Review status: no assertion criteria provided. Collection method: clinical testing. Allele origin: germline. Not counted in ClinVar's aggregate classification.